The following is an entry in ClinVar:

NC_000009.12:g.32891948C>G

Variant type: single nucleotide variant.
Genome position: GRCh38 VCF-style: chr9-32891948-C-G. GRCh37 (hg19) VCF-style: chr9-32891946-C-G.
Identifiers: ClinVar variation 3256849 (VCV003256849.2).
Genomic context (GRCh38, chr9:32,891,948, plus strand): 5'-CATCATTTTCTCCAACTTCATGAAATCCTGAAATGTTTGCAAGATAATTTCACTTCAGAA[C>G]CTATTTATATTGATTTTGCATTTATACTATCAGATGTTACAATATCCATCAGTAAAACTG-3'

ClinVar aggregate classification (germline): Benign (1 of 4 stars; one submission).

Submission:

Unidad de Genómica Garrahan, Hospital de Pediatría Garrahan
Classification: Benign. Last evaluated: 2024-07-31. Review status: criteria provided, single submitter. Criteria: ACMG Guidelines, 2015. Collection method: clinical testing. Allele origin: germline. Affected: no. Observed: 74 variant alleles.
Comment: This variant is classified as Benign based on local population frequency. This variant was detected in 80% of patients studied in a panel designed for Epileptic and Developmental Encephalopathy, Progressive Myoclonus Epilepsy and Abnormal Movements and Neurodegeneration with brain iron accumulation. Number of patients: 74. Only high quality variants are reported.